The following is an entry in ClinVar:

NM_133510.4(RAD51B):c.4G>C (p.Gly2Arg)

Gene: RAD51B (RAD51 paralog B; plus strand). Cytogenetic location: 14q24.1.
Variant type: single nucleotide variant.
Coding change: c.4G>C on transcript NM_133510.4 (MANE Select); coding-DNA position 4, G replaced by C.
Protein change: p.Gly2Arg; replaces glycine 2 with arginine.
Molecular consequence: missense variant. On other transcripts: 5 prime UTR variant (1).
Genome position (GRCh38, 1-based): chr14:67,823,547, G>C. VCF-style: chr14-67823547-G-C. GRCh37 (hg19) VCF-style: chr14-68290264-G-C.
Other names: c.4G>C, p.Gly2Arg (NM_001321818.2, NM_001321819.1, NM_001321821.2 and 6 more transcripts); c.-452G>C (NM_001321817.2); short protein forms G2R.
Identifiers: ClinVar variation 4842726 (VCV004842726.1).

ClinVar aggregate classification (germline): Uncertain significance (1 of 4 stars; one submission).

gnomAD v4.1: 1 of 1,613,230 alleles (0.000062%); highest among the groups gnomAD compares: Non-Finnish European, 0.000085%; no homozygotes.

Submission:

Ambry Genetics
Classification: Uncertain significance. Last evaluated: 2026-01-14. Review status: criteria provided, single submitter. Criteria: Ambry Variant Classification Scheme 2023. Collection method: clinical testing. Allele origin: germline.
Comment: The p.G2R variant (also known as c.4G>C), located in coding exon 1 of the RAD51B gene, results from a G to C substitution at nucleotide position 4. The glycine at codon 2 is replaced by arginine, an amino acid with dissimilar properties. This amino acid position is conserved. In addition, this alteration is predicted to be tolerated by in silico analysis. Based on the available evidence, the clinical significance of this variant remains unclear.